The following is an entry in ClinVar:

ClinVar aggregate classification (germline): Uncertain significance. Review status: criteria provided, multiple submitters, no conflicts (2 of 4 stars). 2 submissions from 2 submitters: Uncertain significance (2). Last evaluated 2024-05-10.

Allele frequency attached by ClinVar (database versions not stated): ExAC 0.00002; gnomAD 0.00002; gnomAD exomes 0.00002; TOPMed 0.00002.
gnomAD v4.1: 31 of 1,599,958 alleles (0.0019%); highest among the groups gnomAD compares: Non-Finnish European, 0.0026%; no homozygotes.

Submissions (2):

GeneDx
Classification: Uncertain significance. Last evaluated: 2024-05-10. Review status: criteria provided, single submitter. Criteria: GeneDx Variant Classification Process June 2021. Collection method: clinical testing. Allele origin: germline. Affected: yes.
Comment: Not observed at significant frequency in large population cohorts (gnomAD); In silico analysis indicates that this missense variant does not alter protein structure/function; Has not been previously published as pathogenic or benign to our knowledge

Labcorp Genetics (formerly Invitae), Labcorp
Classification: Uncertain significance. Last evaluated: 2022-05-31. Review status: criteria provided, single submitter. Criteria: Invitae Variant Classification Sherloc (09022015). Collection method: clinical testing. Allele origin: germline.
Comment: This sequence change replaces lysine, which is basic and polar, with glutamine, which is neutral and polar, at codon 357 of the PNPT1 protein (p.Lys357Gln). This variant is present in population databases (rs768887389, gnomAD 0.007%). This variant has not been reported in the literature in individuals affected with PNPT1-related conditions. Advanced modeling of protein sequence and biophysical properties (such as structural, functional, and spatial information, amino acid conservation, physicochemical variation, residue mobility, and thermodynamic stability) performed at Invitae indicates that this missense variant is not expected to disrupt PNPT1 protein function. In summary, the available evidence is currently insufficient to determine the role of this variant in disease. Therefore, it has been classified as a Variant of Uncertain Significance.

NM_033109.5(PNPT1):c.1069A>C (p.Lys357Gln)

Gene: PNPT1 (polyribonucleotide nucleotidyltransferase 1; minus strand). Cytogenetic location: 2p16.1.
Variant type: single nucleotide variant.
Coding change: c.1069A>C on transcript NM_033109.5 (MANE Select); coding-DNA position 1069, A replaced by C.
Protein change: p.Lys357Gln; replaces lysine 357 with glutamine.
Molecular consequence: missense variant.
Genome position (GRCh38, 1-based): chr2:55,667,866, T>G on the plus strand (A>C on the coding strand, the complement: PNPT1 is on the minus strand). VCF-style: chr2-55667866-T-G. GRCh37 (hg19) VCF-style: chr2-55895001-T-G.
Other names: c.1069A>C (NM_033109.4); short protein forms K357Q.
Identifiers: ClinVar variation 1916365 (VCV001916365.3), dbSNP rs768887389, ClinGen allele CA1668246.